The following is an entry in ClinVar:

NM_000038.6(APC):c.423-3162A>C

Gene: APC (APC regulator of WNT signaling pathway; plus strand). Cytogenetic location: 5q22.2.
Variant type: single nucleotide variant.
Coding change: c.423-3162A>C on transcript NM_000038.6 (MANE Select); 3162 bases into the intron before coding-DNA position 423, A replaced by C.
Molecular consequence: intron variant.
Genome position (GRCh38, 1-based): chr5:112,772,467, A>C. VCF-style: chr5-112772467-A-C. GRCh37 (hg19) VCF-style: chr5-112108164-A-C.
Other names: c.423-3162A>C (NM_001354895.2, NM_001127510.3, NM_001354896.2 and 2 more transcripts); c.453-3162A>C (NM_001354897.2, NM_001354902.2, NM_001127511.3); c.348-3162A>C (NM_001354898.2, NM_001354904.2); c.-613-3162A>C (NM_001354906.2); c.246-3162A>C (NM_001354900.2, NM_001354901.2, NM_001354905.2).
Identifiers: ClinVar variation 82893 (VCV000082893.2), dbSNP rs78112535, ClinGen allele CA009260.

ClinVar aggregate classification (germline): other (0 of 4 stars; one submission).

Conditions:
Familial colorectal cancer. Identifiers: MedGen CN280943, MONDO:0023113. Disease mechanism: loss of function.

Submission:

Systems Biology Platform Zhejiang California International NanoSystems Institute
Classification: other for Familial colorectal cancer. Review status: no assertion criteria provided. Collection method: not provided. Allele origin: unknown.
ClinVar note: Converted during submission from cancer to other.